The following is an entry in ClinVar:

ClinVar aggregate classification (germline): Likely benign (1 of 4 stars; one submission).

Submission:

CeGaT Center for Human Genetics Tuebingen
Classification: Likely benign. Last evaluated: 2024-11-01. Review status: criteria provided, single submitter. Criteria: CeGaT Center For Human Genetics Tuebingen Variant Classification Criteria Version 2. Collection method: clinical testing. Allele origin: germline. Affected: yes. Observed: 1 variant allele.
Comment: NBEA: PM2:Supporting, BP4, BP7

NM_001385012.1(NBEA):c.7524A>C (p.Gly2508=)

Gene: NBEA (neurobeachin; plus strand). Cytogenetic location: 13q13.3.
Variant type: single nucleotide variant.
Coding change: c.7524A>C on transcript NM_001385012.1 (MANE Select); coding-DNA position 7524, A replaced by C.
Protein change: p.Gly2508=; no amino-acid change (glycine 2508 retained).
Molecular consequence: synonymous variant.
Genome position (GRCh38, 1-based): chr13:35,628,155, A>C. VCF-style: chr13-35628155-A-C. GRCh37 (hg19) VCF-style: chr13-36202292-A-C.
Other names: c.903A>C, p.Gly301= (NM_001204197.3); c.7515A>C, p.Gly2505= (NM_001379245.1); c.7524A>C, p.Gly2508= (NM_015678.5).
Identifiers: ClinVar variation 3390277 (VCV003390277.14).